The following is an entry in ClinVar:

ClinVar aggregate classification (germline): Uncertain significance (1 of 4 stars; one submission).

Conditions:
Dyskeratosis congenita. Identifiers: Orphanet 1775, MedGen C0265965, MONDO:0015780.

Submission:

Ambry Genetics
Classification: Uncertain significance for Dyskeratosis congenita. Last evaluated: 2024-12-08. Review status: criteria provided, single submitter. Criteria: Ambry Variant Classification Scheme 2023. Collection method: clinical testing. Allele origin: germline.
Comment: The p.V425D variant (also known as c.1274T>A), located in coding exon 2 of the TERT gene, results from a T to A substitution at nucleotide position 1274. The valine at codon 425 is replaced by aspartic acid, an amino acid with highly dissimilar properties. This amino acid position is conserved. In addition, this alteration is predicted to be tolerated by in silico analysis. Based on the available evidence, the clinical significance of this variant remains unclear.

NM_198253.3(TERT):c.1274T>A (p.Val425Asp)

Gene: TERT (telomerase reverse transcriptase; minus strand). Cytogenetic location: 5p15.33.
Variant type: single nucleotide variant.
Coding change: c.1274T>A on transcript NM_198253.3 (MANE Select); coding-DNA position 1274, T replaced by A.
Protein change: p.Val425Asp; replaces valine 425 with aspartic acid.
Molecular consequence: missense variant. On other transcripts: non-coding transcript variant (2).
Genome position (GRCh38, 1-based): chr5:1,293,612, A>T on the plus strand (T>A on the coding strand, the complement: TERT is on the minus strand). VCF-style: chr5-1293612-A-T. GRCh37 (hg19) VCF-style: chr5-1293727-A-T.
Other names: c.1274T>A, p.Val425Asp (NM_001193376.3); short protein forms V425D.
Identifiers: ClinVar variation 3455144 (VCV003455144.1).